The following is an entry in ClinVar:

NM_001195553.2(DCX):c.572C>T (p.Pro191Leu)

Gene: DCX (doublecortin; minus strand). Cytogenetic location: Xq23.
Variant type: single nucleotide variant.
Coding change: c.572C>T on transcript NM_001195553.2 (MANE Select); coding-DNA position 572, C replaced by T.
Protein change: p.Pro191Leu; replaces proline 191 with leucine.
Molecular consequence: missense variant.
Genome position (GRCh38, 1-based): chrX:111,401,123, G>A on the plus strand (C>T on the coding strand, the complement: DCX is on the minus strand). VCF-style: chrX-111401123-G-A. GRCh37 (hg19) VCF-style: chrX-110644351-G-A.
Other names: c.815C>T, p.Pro272Leu (NM_000555.3); c.572C>T, p.Pro191Leu (NM_001369370.1, NM_001369371.1, NM_001369372.1 and 6 more transcripts); short protein forms P191L, P272L.
Identifiers: ClinVar variation 4070579 (VCV004070579.1).
Genomic context (GRCh38, chrX:111,401,123, plus strand): 5'-AGGACTTGCTCAAAAGAGTGGGCTGTCTTCTTGTTCAGAAGCACACGCACAGCCTTCCGA[G>A]GCTTCACCCCACTGCGGATGATGGTAACCAGCTTGGGGCGCACAAAGTCCTTGTTCTCCC-3'
Protein context (NP_001182482.1, residues 181-201): LVTIIRSGVK[Pro191Leu]RKAVRVLLNK

ClinVar aggregate classification (germline): Likely pathogenic (1 of 4 stars; one submission).

Submission:

GeneDx
Classification: Likely pathogenic. Last evaluated: 2025-01-15. Review status: criteria provided, single submitter. Criteria: GeneDx Variant Classification Process June 2021. Collection method: clinical testing. Allele origin: germline. Affected: yes.
Comment: Not observed at significant frequency in large population cohorts (gnomAD); In silico analysis supports that this missense variant has a deleterious effect on protein structure/function; Has not been previously published as pathogenic or benign to our knowledge; This variant is associated with the following publications: (PMID: 11175293, 23365099, 9989615)